The following is an entry in ClinVar:

ClinVar aggregate classification (germline): Uncertain significance (1 of 4 stars; one submission).

Submission:

GeneDx
Classification: Uncertain significance. Last evaluated: 2026-02-14. Review status: criteria provided, single submitter. Criteria: GeneDx Variant Classification Process June 2021. Collection method: clinical testing. Allele origin: germline.
Comment: Reported as a single heterozygous variant in a proband with thoracic aortic aneurysm; however, a second ABCC6 variant was not identified and detailed clinical information was not provided (PMID: 35830949); In silico analysis suggests that this missense variant does not alter protein structure/function; Not observed at significant frequency in large population cohorts (gnomAD); This variant is associated with the following publications: (PMID: 35830949)

NM_001171.6(ABCC6):c.493G>C (p.Val165Leu)

Gene: ABCC6 (ATP binding cassette subfamily C member 6; minus strand). Cytogenetic location: 16p13.11.
Variant type: single nucleotide variant.
Coding change: c.493G>C on transcript NM_001171.6 (MANE Select); coding-DNA position 493, G replaced by C.
Protein change: p.Val165Leu; replaces valine 165 with leucine.
Molecular consequence: missense variant. On other transcripts: non-coding transcript variant (4).
Genome position (GRCh38, 1-based): chr16:16,214,431, C>G on the plus strand (G>C on the coding strand, the complement: ABCC6 is on the minus strand). VCF-style: chr16-16214431-C-G. GRCh37 (hg19) VCF-style: chr16-16308288-C-G.
Other names: c.151G>C, p.Val51Leu (NM_001351800.1); c.493G>C, p.Val165Leu (NM_001440309.1, NM_001440310.1); short protein forms V165L, V51L.
Identifiers: ClinVar variation 4891491 (VCV004891491.1).